The following is an entry in ClinVar:

NM_000059.4(BRCA2):c.5639A>G (p.Asn1880Ser)

Gene: BRCA2 (BRCA2 DNA repair associated; plus strand). Cytogenetic location: 13q13.1.
Variant type: single nucleotide variant.
Coding change: c.5639A>G on transcript NM_000059.4 (MANE Select); coding-DNA position 5639, A replaced by G.
Protein change: p.Asn1880Ser; replaces asparagine 1880 with serine.
Molecular consequence: missense variant.
Genome position (GRCh38, 1-based): chr13:32,339,994, A>G. VCF-style: chr13-32339994-A-G. GRCh37 (hg19) VCF-style: chr13-32914131-A-G.
Other names: short protein forms N1880S.
Identifiers: ClinVar variation 825861 (VCV000825861.16), dbSNP rs1302337975, ClinGen allele CA387786141.

ClinVar aggregate classification (germline): Conflicting classifications of pathogenicity. Review status: criteria provided, conflicting classifications (1 of 4 stars). 5 submissions from 5 submitters: Uncertain significance (3); Likely benign (2). Last evaluated 2025-07-30.

Conditions:
Hereditary cancer-predisposing syndrome. Also called: Neoplastic Syndromes, Hereditary; Tumor predisposition; Hereditary neoplastic syndrome; Hereditary Cancer Syndrome. Identifiers: Orphanet 140162, MedGen C0027672, MeSH D009386, MONDO:0015356.
Hereditary breast ovarian cancer syndrome. Also called: Hereditary breast and ovarian cancer syndrome; Hereditary breast and ovarian cancer; Hereditary breast and ovarian cancer syndrome (HBOC); Breast and ovarian cancer; Hereditary breast and/or ovarian cancer syndrome; BRCA1- and BRCA2-Associated Hereditary Breast and Ovarian Cancer. Identifiers: Orphanet 145, MedGen C0677776, MeSH D061325, MONDO:0003582. Disease mechanism: loss of function.

Allele frequency attached by ClinVar (database versions not stated): TOPMed below 0.00001.

Submissions (5):

Quest Diagnostics Nichols Institute San Juan Capistrano
Classification: Uncertain significance. Last evaluated: 2025-07-30. Review status: criteria provided, single submitter. Criteria: Quest Diagnostics criteria. Collection method: clinical testing. Allele origin: unknown.
Comment: The BRCA2 c.5639A>G (p.Asn1880Ser) variant has been reported in the published literature in one individual with breast cancer (PMID: 33471991 (2021), see also LOVD). This variant has not been reported in large, multi-ethnic general populations (Genome Aggregation Database). Analysis of this variant using bioinformatics tools for the prediction of the effect of amino acid changes on protein structure and function yielded predictions that this variant is benign. Based on the available information, we are unable to determine the clinical significance of this variant.

Labcorp Genetics (formerly Invitae), Labcorp
Classification: Uncertain significance for Hereditary breast ovarian cancer syndrome. Last evaluated: 2025-04-07. Review status: criteria provided, single submitter. Criteria: Invitae Variant Classification Sherloc (09022015). Collection method: clinical testing. Allele origin: germline.
Comment: This sequence change replaces asparagine, which is neutral and polar, with serine, which is neutral and polar, at codon 1880 of the BRCA2 protein (p.Asn1880Ser). This variant is not present in population databases (gnomAD no frequency). This variant has not been reported in the literature in individuals affected with BRCA2-related conditions. ClinVar contains an entry for this variant (Variation ID: 825861). Invitae Evidence Modeling of protein sequence and biophysical properties (such as structural, functional, and spatial information, amino acid conservation, physicochemical variation, residue mobility, and thermodynamic stability) indicates that this missense variant is not expected to disrupt BRCA2 protein function with a negative predictive value of 95%. In summary, the available evidence is currently insufficient to determine the role of this variant in disease. Therefore, it has been classified as a Variant of Uncertain Significance.

GeneDx
Classification: Uncertain significance. Last evaluated: 2024-03-08. Review status: criteria provided, single submitter. Criteria: GeneDx Variant Classification Process June 2021. Collection method: clinical testing. Allele origin: germline. Affected: yes.
Comment: Identified in an individual with breast cancer (PMID: 35585550); Not observed at significant frequency in large population cohorts (gnomAD); In silico analysis supports that this missense variant does not alter protein structure/function; Also known as 5867A>G; This variant is associated with the following publications: (PMID: 29884841, 32377563, 35585550, 31911673)

University of Washington Department of Laboratory Medicine, University of Washington
Classification: Likely benign for Hereditary cancer-predisposing syndrome. Last evaluated: 2023-03-23. Review status: criteria provided, single submitter. Criteria: Dines et al. (Genet Med. 2020). Collection method: curation. Allele origin: germline.
Comment: Missense variant in a coldspot region where missense variants are very unlikely to be pathogenic (PMID:31911673).

BRCA2 exon 11 coldspot. Reclassification based on statistical prior probability.

Ambry Genetics
Classification: Likely benign for Hereditary cancer-predisposing syndrome. Last evaluated: 2019-09-28. Review status: criteria provided, single submitter. Criteria: Ambry Variant Classification Scheme 2023. Collection method: clinical testing. Allele origin: germline.

Literature cited by the submitters: PubMed 31911673 (cited by Quest Diagnostics Nichols Institute San Juan Capistrano); PubMed 33471991 (cited by Quest Diagnostics Nichols Institute San Juan Capistrano).